The following is an entry in ClinVar:

ClinVar aggregate classification (germline): Uncertain significance (1 of 4 stars; one submission).

Submission:

GeneDx
Classification: Uncertain significance. Last evaluated: 2025-09-30. Review status: criteria provided, single submitter. Criteria: GeneDx Variant Classification Process June 2021. Collection method: clinical testing. Allele origin: germline. Affected: yes.
Comment: Not observed at significant frequency in large population cohorts (gnomAD); Canonical splice site variant predicted to result in a null allele in a gene for which loss of function is a known mechanism of disease; Has not been previously published as pathogenic or benign to our knowledge

NM_001352913.2(PPP2R5C):c.27+1G>A

Gene: PPP2R5C (protein phosphatase 2 regulatory subunit B'gamma; plus strand). Cytogenetic location: 14q32.31.
Variant type: single nucleotide variant.
Coding change: c.27+1G>A on transcript NM_001352913.2 (MANE Select); the canonical splice donor site of the intron after coding-DNA position 27, G replaced by A.
Molecular consequence: splice donor variant. On other transcripts: intron variant (1).
Genome position (GRCh38, 1-based): chr14:101,761,921, G>A. VCF-style: chr14-101761921-G-A. GRCh37 (hg19) VCF-style: chr14-102228258-G-A.
Other names: c.43-984G>A (NM_001352914.2); c.27+1G>A (NM_001161726.2, NM_001161725.2).
Identifiers: ClinVar variation 4819503 (VCV004819503.1).